The following is an entry in ClinVar:

ClinVar aggregate classification (germline): Uncertain significance (1 of 4 stars; one submission).

Conditions:
Epidermolysis bullosa simplex 5B, with muscular dystrophy (EBS5B). Also called: Epidermolysis bullosa simplex with muscular dystrophy; EPIDERMOLYSIS BULLOSA SIMPLEX AND LIMB-GIRDLE MUSCULAR DYSTROPHY. Identifiers: Orphanet 257, MedGen C2931072, MONDO:0009181, OMIM 226670.
Epidermolysis bullosa simplex 5C, with pyloric atresia (EBS5C). Also called: Epidermolysis bullosa simplex with pyloric atresia; PLEC-Related Epidermolysis Bullosa with Pyloric Atresia; PLEC1-Related Epidermolysis Bullosa with Pyloric Atresia. Identifiers: Orphanet 158684, MedGen C2677349, MONDO:0012807, OMIM 612138.
Epidermolysis bullosa simplex with nail dystrophy (EBS5D). Identifiers: MedGen C4225309, MONDO:0014661, OMIM 616487.
Autosomal recessive limb-girdle muscular dystrophy type 2Q (LGMDR17). Also called: MUSCULAR DYSTROPHY, LIMB-GIRDLE, AUTOSOMAL RECESSIVE 17. Identifiers: Orphanet 254361, MedGen C3150989, MONDO:0013390, OMIM 613723.
Epidermolysis bullosa simplex, Ogna type (EBS5A). Also called: Pidermolysis bullosa simplex 5A, Ogna type; EPIDERMOLYSIS BULLOSA SIMPLEX 5A, OGNA TYPE. Identifiers: Orphanet 79401, MedGen C0432317, MONDO:0007555, OMIM 131950.

Submission:

Labcorp Genetics (formerly Invitae), Labcorp
Classification: Uncertain significance for Autosomal recessive limb-girdle muscular dystrophy type 2Q; Epidermolysis bullosa simplex, Ogna type; Epidermolysis bullosa simplex with nail dystrophy; Epidermolysis bullosa simplex 5C, with pyloric atresia; Epidermolysis bullosa simplex 5B, with muscular dystrophy. Last evaluated: 2022-03-22. Review status: criteria provided, single submitter. Criteria: Invitae Variant Classification Sherloc (09022015). Collection method: clinical testing. Allele origin: germline.
Comment: In summary, the available evidence is currently insufficient to determine the role of this variant in disease. Therefore, it has been classified as a Variant of Uncertain Significance. Algorithms developed to predict the effect of missense changes on protein structure and function (SIFT, PolyPhen-2, Align-GVGD) all suggest that this variant is likely to be disruptive. This variant has not been reported in the literature in individuals affected with PLEC-related conditions. This variant is not present in population databases (gnomAD no frequency). This sequence change replaces glutamic acid, which is acidic and polar, with glutamine, which is neutral and polar, at codon 2398 of the PLEC protein (p.Glu2398Gln).

NM_201384.3(PLEC):c.7111G>C (p.Glu2371Gln)

Gene: PLEC (plectin; minus strand). Cytogenetic location: 8q24.3.
Variant type: single nucleotide variant.
Coding change: c.7111G>C on transcript NM_201384.3 (MANE Select); coding-DNA position 7111, G replaced by C.
Protein change: p.Glu2371Gln; replaces glutamic acid 2371 with glutamine.
Molecular consequence: missense variant.
Genome position (GRCh38, 1-based): chr8:143,922,818, C>G on the plus strand (G>C on the coding strand, the complement: PLEC is on the minus strand). VCF-style: chr8-143922818-C-G. GRCh37 (hg19) VCF-style: chr8-144996986-C-G.
Other names: c.7192G>C, p.Glu2398Gln (NM_000445.5); c.7069G>C, p.Glu2357Gln (NM_201378.4); c.7045G>C, p.Glu2349Gln (NM_201379.3); c.7522G>C, p.Glu2508Gln (NM_201380.4); c.7015G>C, p.Glu2339Gln (NM_201381.3); c.7111G>C, p.Glu2371Gln (NM_201382.4); c.7123G>C, p.Glu2375Gln (NM_201383.3); short protein forms E2398Q, E2339Q, E2508Q, E2357Q, E2371Q, E2349Q, E2375Q.
Identifiers: ClinVar variation 1357476 (VCV001357476.8), dbSNP rs782558197, ClinGen allele CA372529778.
Genomic context (GRCh38, chr8:143,922,818, plus strand): 5'-CGGCCACACGCAGCTTGAGGCGCTCAGCCTCAGCGCTCATCTCCAGCTGCCGCTGCCGCT[C>G]GGCCTCCAGCGTCCGCTGGAAGCCCTGCGTCTCCTCCGCCAGCTGCTGCGCCATCTGCTC-3'
Protein context (NP_958786.1, residues 2361-2381): TQGFQRTLEA[Glu2371Gln]RQRQLEMSAE